The following is an entry in ClinVar:

ClinVar aggregate classification (germline): Uncertain significance (1 of 4 stars; one submission).

Conditions:
Primary ciliary dyskinesia. Also called: Ciliary dyskinesia. Identifiers: Orphanet 244, MedGen C0008780, MONDO:0016575, HP:0012265.

gnomAD v4.1: 1 of 1,614,206 alleles (0.000062%); highest among the groups gnomAD compares: South Asian, 0.0011%; no homozygotes.

Submission:

Labcorp Genetics (formerly Invitae), Labcorp
Classification: Uncertain significance for Primary ciliary dyskinesia. Last evaluated: 2024-03-04. Review status: criteria provided, single submitter. Criteria: Invitae Variant Classification Sherloc (09022015). Collection method: clinical testing. Allele origin: germline.
Comment: This sequence change replaces glutamic acid, which is acidic and polar, with glycine, which is neutral and non-polar, at codon 3342 of the DNAH5 protein (p.Glu3342Gly). This variant is present in population databases (rs750485924, gnomAD 0.003%). This variant has not been reported in the literature in individuals affected with DNAH5-related conditions. Advanced modeling of protein sequence and biophysical properties (such as structural, functional, and spatial information, amino acid conservation, physicochemical variation, residue mobility, and thermodynamic stability) performed at Invitae indicates that this missense variant is not expected to disrupt DNAH5 protein function with a negative predictive value of 95%. In summary, the available evidence is currently insufficient to determine the role of this variant in disease. Therefore, it has been classified as a Variant of Uncertain Significance.

NM_001369.3(DNAH5):c.10025A>G (p.Glu3342Gly)

Gene: DNAH5 (dynein axonemal heavy chain 5; minus strand). Cytogenetic location: 5p15.2.
Variant type: single nucleotide variant.
Coding change: c.10025A>G on transcript NM_001369.3 (MANE Select); coding-DNA position 10025, A replaced by G.
Protein change: p.Glu3342Gly; replaces glutamic acid 3342 with glycine.
Molecular consequence: missense variant.
Genome position (GRCh38, 1-based): chr5:13,766,052, T>C on the plus strand (A>G on the coding strand, the complement: DNAH5 is on the minus strand). VCF-style: chr5-13766052-T-C. GRCh37 (hg19) VCF-style: chr5-13766161-T-C.
Other names: short protein forms E3342G.
Identifiers: ClinVar variation 3637051 (VCV003637051.2).
Genomic context (GRCh38, chr5:13,766,052, plus strand): 5'-AAGTTCCCTGCAGTCATCAATTTTAAGGATTCCTGCCAGGAGGGCATGGTACAGCTTTTT[T>C]CCAGGTCAATTTTCACAGCACTGACTTTCCTTTGAAACAGCAGCAGTACGCAATCCATGA-3'
Protein context (NP_001360.1, residues 3332-3352): RKVSAVKIDL[Glu3342Gly]KSCTMPSWQE